The following is an entry in ClinVar:

ClinVar aggregate classification (germline): Uncertain significance (1 of 4 stars; one submission).

gnomAD v4.1: 12 of 1,613,832 alleles (0.00074%); highest among the groups gnomAD compares: Non-Finnish European, 0.00093%; no homozygotes.

Submission:

Labcorp Genetics (formerly Invitae), Labcorp
Classification: Uncertain significance. Last evaluated: 2025-10-24. Review status: criteria provided, single submitter. Criteria: Invitae Variant Classification Sherloc (09022015). Collection method: clinical testing. Allele origin: germline.
Comment: This sequence change replaces glycine, which is neutral and non-polar, with alanine, which is neutral and non-polar, at codon 480 of the KRT6C protein (p.Gly480Ala). This variant is not present in population databases (gnomAD no frequency). This variant has not been reported in the literature in individuals affected with KRT6C-related conditions. Invitae Evidence Modeling of protein sequence and biophysical properties (such as structural, functional, and spatial information, amino acid conservation, physicochemical variation, residue mobility, and thermodynamic stability) indicates that this missense variant is not expected to disrupt KRT6C protein function with a negative predictive value of 80%. In summary, the available evidence is currently insufficient to determine the role of this variant in disease. Therefore, it has been classified as a Variant of Uncertain Significance.

NM_173086.5(KRT6C):c.1439G>C (p.Gly480Ala)

Gene: KRT6C (keratin 6C; minus strand). Cytogenetic location: 12q13.13.
Variant type: single nucleotide variant.
Coding change: c.1439G>C on transcript NM_173086.5 (MANE Select); coding-DNA position 1439, G replaced by C.
Protein change: p.Gly480Ala; replaces glycine 480 with alanine.
Molecular consequence: missense variant.
Genome position (GRCh38, 1-based): chr12:52,469,431, C>G on the plus strand (G>C on the coding strand, the complement: KRT6C is on the minus strand). VCF-style: chr12-52469431-C-G. GRCh37 (hg19) VCF-style: chr12-52863215-C-G.
Other names: short protein forms G480A.
Identifiers: ClinVar variation 4754475 (VCV004754475.1).